The following is an entry in ClinVar:

NM_021116.4(ADCY1):c.4G>C (p.Ala2Pro)

Gene: ADCY1 (adenylate cyclase 1; plus strand). Cytogenetic location: 7p12.3.
Variant type: single nucleotide variant.
Coding change: c.4G>C on transcript NM_021116.4 (MANE Select); coding-DNA position 4, G replaced by C.
Protein change: p.Ala2Pro; replaces alanine 2 with proline.
Molecular consequence: missense variant. On other transcripts: intron variant (1).
Genome position (GRCh38, 1-based): chr7:45,574,547, G>C. VCF-style: chr7-45574547-G-C. GRCh37 (hg19) VCF-style: chr7-45614146-G-C.
Other names: c.-330-342G>C (NM_001281768.2); short protein forms A2P.
Identifiers: ClinVar variation 2096774 (VCV002096774.4), dbSNP rs1792260445, ClinGen allele CA367557835.

ClinVar aggregate classification (germline): Uncertain significance (1 of 4 stars; one submission).

Allele frequency attached by ClinVar (database versions not stated): TOPMed below 0.00001.

Submission:

Labcorp Genetics (formerly Invitae), Labcorp
Classification: Uncertain significance. Last evaluated: 2025-11-17. Review status: criteria provided, single submitter. Criteria: Invitae Variant Classification Sherloc (09022015). Collection method: clinical testing. Allele origin: germline.
Comment: This sequence change replaces alanine, which is neutral and non-polar, with proline, which is neutral and non-polar, at codon 2 of the ADCY1 protein (p.Ala2Pro). The frequency data for this variant in the population databases is considered unreliable, as metrics indicate insufficient coverage at this position in the gnomAD database. This variant has not been reported in the literature in individuals affected with ADCY1-related conditions. ClinVar contains an entry for this variant (Variation ID: 2096774). Experimental studies and prediction algorithms are not available or were not evaluated, and the functional significance of this variant is currently unknown. In summary, the available evidence is currently insufficient to determine the role of this variant in disease. Therefore, it has been classified as a Variant of Uncertain Significance.